The following is an entry in ClinVar:

NM_152383.5(DIS3L2):c.2228G>A (p.Arg743His)

Gene: DIS3L2 (DIS3 like 3'-5' exoribonuclease 2; plus strand). Cytogenetic location: 2q37.1.
Variant type: single nucleotide variant.
Coding change: c.2228G>A on transcript NM_152383.5 (MANE Select); coding-DNA position 2228, G replaced by A.
Protein change: p.Arg743His; replaces arginine 743 with histidine.
Molecular consequence: missense variant. On other transcripts: non-coding transcript variant (2), intron variant (1).
Genome position (GRCh38, 1-based): chr2:232,334,438, G>A. VCF-style: chr2-232334438-G-A. GRCh37 (hg19) VCF-style: chr2-233199148-G-A.
Other names: c.1582-8907G>A (NM_001257281.2); short protein forms R743H.
Identifiers: ClinVar variation 972592 (VCV000972592.8), dbSNP rs947355512, ClinGen allele CA66930420.
Genomic context (GRCh38, chr2:232,334,438, plus strand): 5'-AGCGACTAGACATGGCGCCCGATACCCTGCAGAAACAGGCGGACCACTGTAACGACCGCC[G>A]CATGGCGTCCAAGCGCGTGCAGGAGCTCAGTACCAGTCTCTTCTTTGCTGTTCTGGTCAA-3'
Protein context (NP_689596.4, residues 733-753): QKQADHCNDR[Arg743His]MASKRVQELS

ClinVar aggregate classification (germline): Uncertain significance (1 of 4 stars; one submission).

Conditions:
Perlman syndrome (PRLMNS). Identifiers: Orphanet 2849, MedGen C0796113, MONDO:0009965, OMIM 267000.

Allele frequency attached by ClinVar (database versions not stated): TOPMed 0.00002.
gnomAD v4.1: 11 of 1,613,730 alleles (0.00068%); highest among the groups gnomAD compares: African/African-American, 0.0027%; no homozygotes.

Submission:

Labcorp Genetics (formerly Invitae), Labcorp
Classification: Uncertain significance for Perlman syndrome. Last evaluated: 2024-02-22. Review status: criteria provided, single submitter. Criteria: Invitae Variant Classification Sherloc (09022015). Collection method: clinical testing. Allele origin: germline.
Comment: This sequence change replaces arginine, which is basic and polar, with histidine, which is basic and polar, at codon 743 of the DIS3L2 protein (p.Arg743His). This variant is present in population databases (no rsID available, gnomAD 0.006%). This variant has not been reported in the literature in individuals affected with DIS3L2-related conditions. ClinVar contains an entry for this variant (Variation ID: 972592). Advanced modeling of protein sequence and biophysical properties (such as structural, functional, and spatial information, amino acid conservation, physicochemical variation, residue mobility, and thermodynamic stability) performed at Invitae indicates that this missense variant is not expected to disrupt DIS3L2 protein function with a negative predictive value of 80%. In summary, the available evidence is currently insufficient to determine the role of this variant in disease. Therefore, it has been classified as a Variant of Uncertain Significance.